The following is an entry in ClinVar:

NM_000540.3(RYR1):c.12760G>A (p.Glu4254Lys)

Gene: RYR1 (ryanodine receptor 1; plus strand). Cytogenetic location: 19q13.2.
Variant type: single nucleotide variant.
Coding change: c.12760G>A on transcript NM_000540.3 (MANE Select); coding-DNA position 12760, G replaced by A.
Protein change: p.Glu4254Lys; replaces glutamic acid 4254 with lysine.
Molecular consequence: missense variant.
Genome position (GRCh38, 1-based): chr19:38,565,094, G>A. VCF-style: chr19-38565094-G-A. GRCh37 (hg19) VCF-style: chr19-39055734-G-A.
Other names: c.12745G>A, p.Glu4249Lys (NM_001042723.2); short protein forms E4249K, E4254K.
Identifiers: ClinVar variation 2892631 (VCV002892631.3), dbSNP rs1230953507, ClinGen allele CA405671092.
Genomic context (GRCh38, chr19:38,565,094, plus strand): 5'-GTGAGTTTCTGCGAGGACACCATCTTCGAGATGCAGATCGCCGCGCAGATCTCGGAGCCC[G>A]AGGGCGAGCCGGAGACCGACGAGGACGAGGGCGCGGGCGCGGCGGAGGCGGGCGCGGAAG-3'
Protein context (NP_000531.2, residues 4244-4264): MQIAAQISEP[Glu4254Lys]GEPETDEDEG

ClinVar aggregate classification (germline): Uncertain significance (1 of 4 stars; one submission).

Conditions:
RYR1-related disorder. Also called: RYR1-related condition; RYR1-related disorders. Identifiers: MedGen CN239331.

Allele frequency attached by ClinVar (database versions not stated): TOPMed below 0.00001; gnomAD 0.00003.
gnomAD v4.1: 11 of 1,551,176 alleles (0.00071%); highest among the groups gnomAD compares: East Asian, 0.0024%; no homozygotes.

Submission:

Labcorp Genetics (formerly Invitae), Labcorp
Classification: Uncertain significance for RYR1-related disorder. Last evaluated: 2025-08-18. Review status: criteria provided, single submitter. Criteria: Invitae Variant Classification Sherloc (09022015). Collection method: clinical testing. Allele origin: germline.
Comment: This sequence change replaces glutamic acid, which is acidic and polar, with lysine, which is basic and polar, at codon 4254 of the RYR1 protein (p.Glu4254Lys). The frequency data for this variant in the population databases is considered unreliable, as metrics indicate poor data quality at this position in the gnomAD database. This variant has not been reported in the literature in individuals affected with RYR1-related conditions. ClinVar contains an entry for this variant (Variation ID: 2892631). Invitae Evidence Modeling of protein sequence and biophysical properties (such as structural, functional, and spatial information, amino acid conservation, physicochemical variation, residue mobility, and thermodynamic stability) has been performed for this missense variant. However, the output from this modeling did not meet the statistical confidence thresholds required to predict the impact of this variant on RYR1 protein function. In summary, the available evidence is currently insufficient to determine the role of this variant in disease. Therefore, it has been classified as a Variant of Uncertain Significance.